The following is an entry in ClinVar:

ClinVar aggregate classification (germline): Uncertain significance (1 of 4 stars; one submission).

Conditions:
Saldino-Mainzer syndrome (SRTD9). Also called: CONORENAL SYNDROME; Renal dysplasia, retinal pigmentary dystrophy, cerebellar ataxia and skeletal dysplasia; SHORT-RIB THORACIC DYSPLASIA 9 WITHOUT POLYDACTYLY; short-rib thoracic dysplasia 9 with or without polydactyly. Identifiers: Orphanet 140969, MedGen C1849437, MONDO:0009964, OMIM 266920.

Submission:

Labcorp Genetics (formerly Invitae), Labcorp
Classification: Uncertain significance for Saldino-Mainzer syndrome. Last evaluated: 2021-06-17. Review status: criteria provided, single submitter. Criteria: Invitae Variant Classification Sherloc (09022015). Collection method: clinical testing. Allele origin: germline.
Comment: Algorithms developed to predict the effect of missense changes on protein structure and function are either unavailable or do not agree on the potential impact of this missense change (SIFT: "Tolerated"; PolyPhen-2: "Possibly Damaging"; Align-GVGD: "Class C0"). This variant has not been reported in the literature in individuals with IFT140-related conditions. In summary, the available evidence is currently insufficient to determine the role of this variant in disease. Therefore, it has been classified as a Variant of Uncertain Significance. This sequence change replaces glutamic acid with glycine at codon 1135 of the IFT140 protein (p.Glu1135Gly). The glutamic acid residue is moderately conserved and there is a moderate physicochemical difference between glutamic acid and glycine. This variant is not present in population databases (ExAC no frequency).

NM_014714.4(IFT140):c.3404A>G (p.Glu1135Gly)

Gene: IFT140 (intraflagellar transport 140; minus strand). Cytogenetic location: 16p13.3.
Variant type: single nucleotide variant.
Coding change: c.3404A>G on transcript NM_014714.4 (MANE Select); coding-DNA position 3404, A replaced by G.
Protein change: p.Glu1135Gly; replaces glutamic acid 1135 with glycine.
Molecular consequence: missense variant.
Genome position (GRCh38, 1-based): chr16:1,523,567, T>C on the plus strand (A>G on the coding strand, the complement: IFT140 is on the minus strand). VCF-style: chr16-1523567-T-C. GRCh37 (hg19) VCF-style: chr16-1573568-T-C.
Other names: short protein forms E1135G.
Identifiers: ClinVar variation 1346029 (VCV001346029.8), dbSNP rs2141164034, ClinGen allele CA394225248.